The following is an entry in ClinVar:

NM_003072.5(SMARCA4):c.3317C>T (p.Thr1106Ile)

Gene: SMARCA4 (SWI/SNF related BAF chromatin remodeling complex subunit ATPase 4; plus strand). Cytogenetic location: 19p13.2.
Variant type: single nucleotide variant.
Coding change: c.3317C>T on transcript NM_003072.5 (MANE Select); coding-DNA position 3317, C replaced by T.
Protein change: p.Thr1106Ile; replaces threonine 1106 with isoleucine.
Molecular consequence: missense variant. On other transcripts: non-coding transcript variant (1).
Genome position (GRCh38, 1-based): chr19:11,027,885, C>T. VCF-style: chr19-11027885-C-T. GRCh37 (hg19) VCF-style: chr19-11138561-C-T.
Other names: c.3317C>T, p.Thr1106Ile (NM_001128844.3, NM_001128845.2, NM_001128846.2 and 6 more transcripts); c.3317C>T (NM_001128849.1); short protein forms T1106I.
Identifiers: ClinVar variation 3777084 (VCV003777084.1).
Genomic context (GRCh38, chr19:11,027,885, plus strand): 5'-ATAGAATTCTTCCCAAACTCCGAGCAACCAACCACAAAGTGCTGCTGTTCTGCCAAATGA[C>T]CTCCCTCATGACCATCATGGAAGATTACTTTGCGTATCGCGGCTTTAAATACCTCAGGCT-3'
Protein context (NP_003063.2, residues 1096-1116): NHKVLLFCQM[Thr1106Ile]SLMTIMEDYF

ClinVar aggregate classification (germline): Uncertain significance (1 of 4 stars; one submission).

Conditions:
Intellectual disability, autosomal dominant 16 (CSS4). Also called: COFFIN-SIRIS SYNDROME 4. Identifiers: Orphanet 1465, MedGen C3553249, MONDO:0013821, OMIM 614609.

Submission:

University of Washington Department of Laboratory Medicine, University of Washington
Classification: Uncertain significance for Intellectual disability, autosomal dominant 16. Last evaluated: 2023-10-19. Review status: criteria provided, single submitter. Criteria: ACMG Guidelines, 2015. Collection method: clinical testing. Allele origin: unknown. Affected: yes.
Comment: The p.Thr1106Ile variant in the SMARCA4 gene has not been previously reported in association with disease and was absent from large population databases, including the Genome Aggregation Database version 4.0. This variant is located in the C-terminal helicase domain of the SMARCA4 protein. Other pathogenic and likely pathogenic variants have been described to cluster in the helicase domains of the SMARCA4 protein (Li 2020). The SMARCA4 gene has fewer missense variants in the general population than expected. A low rate of missense variation may suggest that this gene is intolerant to missense variation. In silico tools predict that the p.Thr1106Ile variant is deleterious; however, these predictions have not been tested directly. Using ACMG guidelines, this variant was classified as a variant of uncertain significance (ACMG evidence codes used: PM1_supporting, PM2_supporting, PP2, PP3).